The following is an entry in ClinVar:

ClinVar aggregate classification (germline): Likely benign. Review status: criteria provided, multiple submitters, no conflicts (2 of 4 stars). 3 submissions from 3 submitters: Likely benign (3). Last evaluated 2024-08-13.

Conditions:
Hereditary cancer-predisposing syndrome. Also called: Neoplastic Syndromes, Hereditary; Hereditary neoplastic syndrome; Tumor predisposition; Hereditary Cancer Syndrome. Identifiers: Orphanet 140162, MedGen C0027672, MeSH D009386, MONDO:0015356.
Peutz-Jeghers syndrome (PJS). Also called: POLYPOSIS, HAMARTOMATOUS INTESTINAL; POLYPS-AND-SPOTS SYNDROME; Peutz-Jeghers polyposis; Periorificial lentiginosis syndrome. Identifiers: Orphanet 2869, MedGen C0031269, MeSH D010580, MONDO:0008280, OMIM 175200.

Allele frequency attached by ClinVar (database versions not stated): ExAC below 0.00001; gnomAD exomes below 0.00001 and 0.00001; gnomAD 0.00001; TOPMed 0.00001.
gnomAD v4.1: 3 of 1,564,746 alleles (0.00019%); highest among the groups gnomAD compares: African/African-American, 0.0014%; no homozygotes.

Submissions (3):

All of Us Research Program, National Institutes of Health
Classification: Likely benign for Peutz-Jeghers syndrome. Last evaluated: 2024-08-13. Review status: criteria provided, single submitter. Criteria: ACMG Guidelines, 2015. Collection method: clinical testing. Allele origin: germline. Inheritance: Autosomal dominant inheritance. Observed: 5 variant alleles, 5 heterozygotes.
Comment: This study involves interpretation of variants in research participants for the purpose of population health screening. Participant phenotype was not available at the time of variant classification. Additional details can be found in publication PMID: 35346344, PMCID: PMC8962531

GeneDx
Classification: Likely benign. Last evaluated: 2016-02-11. Review status: criteria provided, single submitter. Criteria: GeneDx Variant Classification (06012015). Collection method: clinical testing. Allele origin: germline. Affected: yes.
Comment: This variant is considered likely benign or benign based on one or more of the following criteria: it is a conservative change, it occurs at a poorly conserved position in the protein, it is predicted to be benign by multiple in silico algorithms, and/or has population frequency not consistent with disease.

Color Diagnostics, LLC DBA Color Health
Classification: Likely benign for Hereditary cancer-predisposing syndrome. Last evaluated: 2015-04-07. Review status: criteria provided, single submitter. Criteria: ACMG Guidelines, 2015. Collection method: clinical testing. Allele origin: germline.

NM_000455.5(STK11):c.-11C>T

Gene: STK11 (serine/threonine kinase 11; plus strand). Cytogenetic location: 19p13.3.
Variant type: single nucleotide variant.
Coding change: c.-11C>T on transcript NM_000455.5 (MANE Select); 11 bases upstream of the start codon, C replaced by T.
Molecular consequence: 5 prime UTR variant.
Genome position (GRCh38, 1-based): chr19:1,206,903, C>T. VCF-style: chr19-1206903-C-T. GRCh37 (hg19) VCF-style: chr19-1206902-C-T.
Identifiers: ClinVar variation 383932 (VCV000383932.5), dbSNP rs772584871, ClinGen allele CA045874.
Genomic context (GRCh38, chr19:1,206,903, plus strand): 5'-GGAACACAAGGAAGGACCGCTCACCCGCGGACTCAGGGCTGGCGGCGGGACTCCAGGACC[C>T]TGGGTCCAGCATGGAGGTGGTGGACCCGCAGCAGCTGGGCATGTTCACGGAGGGCGAGCT-3'